The following is an entry in ClinVar:

NM_144498.4(OSBPL2):c.183-4G>A

Gene: OSBPL2 (oxysterol binding protein like 2; plus strand). Cytogenetic location: 20q13.33.
Variant type: single nucleotide variant.
Coding change: c.183-4G>A on transcript NM_144498.4 (MANE Select); 4 bases into the intron before coding-DNA position 183, G replaced by A.
Molecular consequence: intron variant.
Genome position (GRCh38, 1-based): chr20:62,263,612, G>A. VCF-style: chr20-62263612-G-A. GRCh37 (hg19) VCF-style: chr20-60838668-G-A.
Other names: c.-184-4G>A (NM_001363878.2, NM_001278649.3); c.147-4G>A (NM_014835.5).
Identifiers: ClinVar variation 4681272 (VCV004681272.5).

ClinVar aggregate classification (germline): Uncertain significance (1 of 4 stars; one submission).

gnomAD v4.1: 14 of 1,613,796 alleles (0.00087%); highest among the groups gnomAD compares: African/African-American, 0.013%; no homozygotes.

Submission:

CeGaT Center for Human Genetics Tuebingen
Classification: Uncertain significance. Last evaluated: 2025-12-01. Review status: criteria provided, single submitter. Criteria: CeGaT Center For Human Genetics Tuebingen Variant Classification Criteria Version 2. Collection method: clinical testing. Allele origin: germline. Affected: yes. Observed: 1 variant allele.
Comment: OSBPL2: PM2, BP4